The following is an entry in ClinVar:

NM_001848.3(COL6A1):c.760-1G>A

Gene: COL6A1 (collagen type VI alpha 1 chain; plus strand). Cytogenetic location: 21q22.3.
Variant type: single nucleotide variant.
Coding change: c.760-1G>A on transcript NM_001848.3 (MANE Select); the canonical splice acceptor site of the intron before coding-DNA position 760, G replaced by A.
Molecular consequence: splice acceptor variant.
Genome position (GRCh38, 1-based): chr21:45,987,609, G>A. VCF-style: chr21-45987609-G-A. GRCh37 (hg19) VCF-style: chr21-47407523-G-A.
Identifiers: ClinVar variation 4750035 (VCV004750035.1).

ClinVar aggregate classification (germline): Likely pathogenic (1 of 4 stars; one submission).

Conditions:
Bethlem myopathy 1A. Also called: Bethlem myopathy 1; Bethlem Muscular Dystrophy; MYOPATHY, BENIGN CONGENITAL, WITH CONTRACTURES. Identifiers: Orphanet 610, MedGen CN029274, MONDO:0024530, OMIM 158810.

gnomAD v4.1: 5 of 1,612,194 alleles (0.00031%); highest among the groups gnomAD compares: Non-Finnish European, 0.00042%; no homozygotes.

Submission:

Labcorp Genetics (formerly Invitae), Labcorp
Classification: Likely pathogenic for Bethlem myopathy 1A. Last evaluated: 2025-06-22. Review status: criteria provided, single submitter. Criteria: Invitae Variant Classification Sherloc (09022015). Collection method: clinical testing. Allele origin: germline.
Comment: This sequence change affects an acceptor splice site in intron 7 of the COL6A1 gene. It is expected to disrupt RNA splicing. Variants that disrupt the donor or acceptor splice site typically lead to a loss of protein function (PMID: 16199547), and loss-of-function variants in COL6A1 are known to be disease-causing for autosomal recessive COL6A1-related conditions (PMID: 21280092, 20976770). However, certain variants affecting donor or acceptor splice sites in the triple helical domain of COL6A1 are expected to result in in-frame exon skipping and have been reported to cause autosomal dominant COL6A1-related conditions (PMID: 18366090). This variant is not present in population databases (gnomAD no frequency). This variant has not been reported in the literature in individuals affected with COL6A1-related conditions. Algorithms developed to predict the effect of sequence changes on RNA splicing suggest that this variant may disrupt the consensus splice site. In summary, the currently available evidence indicates that the variant is pathogenic, but additional data are needed to prove that conclusively. Therefore, this variant has been classified as Likely Pathogenic.

Literature cited by the submitters: PubMed 16199547; PubMed 21280092; PubMed 20976770; PubMed 18366090.